The following is an entry in ClinVar:

NM_001244008.2(KIF1A):c.4999G>A (p.Asp1667Asn)

Gene: KIF1A (kinesin family member 1A; minus strand). Cytogenetic location: 2q37.3.
Variant type: single nucleotide variant.
Coding change: c.4999G>A on transcript NM_001244008.2 (MANE Select); coding-DNA position 4999, G replaced by A.
Protein change: p.Asp1667Asn; replaces aspartic acid 1667 with asparagine.
Molecular consequence: missense variant.
Genome position (GRCh38, 1-based): chr2:240,719,796, C>T on the plus strand (G>A on the coding strand, the complement: KIF1A is on the minus strand). VCF-style: chr2-240719796-C-T. GRCh37 (hg19) VCF-style: chr2-241659213-C-T.
Other names: c.4723G>A, p.Asp1575Asn (NM_001320705.2, NM_001379649.1); c.4750G>A, p.Asp1584Asn (NM_001330289.2); c.4798G>A, p.Asp1600Asn (NM_001330290.2, NM_001379648.1); c.5074G>A, p.Asp1692Asn (NM_001379631.1); c.4975G>A, p.Asp1659Asn (NM_001379632.1); c.4972G>A, p.Asp1658Asn (NM_001379633.1, NM_001379645.1); c.4825G>A, p.Asp1609Asn (NM_001379634.1); c.4822G>A, p.Asp1608Asn (NM_001379635.1, NM_001379646.1); and 8 more; short protein forms D1565N, D1566N, D1574N, D1575N, D1583N, D1584N, D1591N, D1600N.
Identifiers: ClinVar variation 1010452 (VCV001010452.11), dbSNP rs754893576, ClinGen allele CA68133915.

ClinVar aggregate classification (germline): Conflicting classifications of pathogenicity. Review status: criteria provided, conflicting classifications (1 of 4 stars). 3 submissions from 3 submitters: Uncertain significance (2); Likely benign (1). Last evaluated 2025-07-14.

Conditions:
Hereditary spastic paraplegia 30. Identifiers: Orphanet 101010, MedGen C5235139, MONDO:0012476.
Neuropathy, hereditary sensory, type 2C. Also called: Hereditary sensory and autonomic neuropathy type IIC; KIF1A-Related HSAN2 (HSAN2C). Identifiers: Orphanet 970, MedGen C3280168, MONDO:0013634, OMIM 614213.
Intellectual disability, autosomal dominant 9 (NESCAVS). Also called: KIF1A-Related Neurodevelopmental Disorder; NESCAV SYNDROME. Identifiers: Orphanet 662367, MedGen C5393830, MONDO:0013656, OMIM 614255.
Inborn genetic diseases. Identifiers: MedGen C0950123, MeSH D030342.

Allele frequency attached by ClinVar (database versions not stated): TOPMed 0.00001; gnomAD 0.00004; gnomAD exomes 0.00004 and 0.00005.
gnomAD v4.1: 61 of 1,598,460 alleles (0.0038%); highest among the groups gnomAD compares: Non-Finnish European, 0.0032%; no homozygotes.

Submissions (3):

Labcorp Genetics (formerly Invitae), Labcorp
Classification: Likely benign for Hereditary spastic paraplegia 30; Neuropathy, hereditary sensory, type 2C; Intellectual disability, autosomal dominant 9. Last evaluated: 2025-07-14. Review status: criteria provided, single submitter. Criteria: Invitae Variant Classification Sherloc (09022015). Collection method: clinical testing. Allele origin: germline.

Ambry Genetics
Classification: Uncertain significance for Inborn genetic diseases. Last evaluated: 2021-02-23. Review status: criteria provided, single submitter. Criteria: Ambry Variant Classification Scheme 2023. Collection method: clinical testing. Allele origin: germline.
Comment: The c.4696G>A (p.D1566N) alteration is located in exon 44 (coding exon 43) of the KIF1A gene. This alteration results from a G to A substitution at nucleotide position 4696, causing the aspartic acid (D) at amino acid position 1566 to be replaced by an asparagine (N). The p.D1566N alteration is predicted to be tolerated by in silico analysis. Based on insufficient or conflicting evidence, the clinical significance of this alteration remains unclear.

Baylor Genetics
Classification: Uncertain significance for Spastic paraplegia 30A, autosomal dominant. Last evaluated: 2020-02-28. Review status: criteria provided, single submitter. Criteria: ACMG Guidelines, 2015. Collection method: clinical testing. Allele origin: unknown. Affected: yes.
Comment: This variant was determined to be of uncertain significance according to ACMG Guidelines, 2015 [PMID:25741868].